The following is an entry in ClinVar:

NM_052859.4(RFT1):c.1391G>A (p.Gly464Asp)

Gene: RFT1 (RFT1 glycolipid translocator homolog; minus strand). Cytogenetic location: 3p21.1.
Variant type: single nucleotide variant.
Coding change: c.1391G>A on transcript NM_052859.4 (MANE Select); coding-DNA position 1391, G replaced by A.
Protein change: p.Gly464Asp; replaces glycine 464 with aspartic acid.
Molecular consequence: missense variant.
Genome position (GRCh38, 1-based): chr3:53,092,436, C>T on the plus strand (G>A on the coding strand, the complement: RFT1 is on the minus strand). VCF-style: chr3-53092436-C-T. GRCh37 (hg19) VCF-style: chr3-53126452-C-T.
Other names: short protein forms G464D.
Identifiers: ClinVar variation 1496250 (VCV001496250.7), dbSNP rs1191825046, ClinGen allele CA353226658.

ClinVar aggregate classification (germline): Uncertain significance (1 of 4 stars; one submission).

Conditions:
RFT1-congenital disorder of glycosylation (CDG1N). Also called: Congenital disorder of glycosylation type In; CDG In; RFT1-CDG. Identifiers: Orphanet 244310, MedGen C2677590, MONDO:0012783, OMIM 612015.

Allele frequency attached by ClinVar (database versions not stated): gnomAD 0.00001.

Submission:

Labcorp Genetics (formerly Invitae), Labcorp
Classification: Uncertain significance for RFT1-congenital disorder of glycosylation. Last evaluated: 2022-08-09. Review status: criteria provided, single submitter. Criteria: Invitae Variant Classification Sherloc (09022015). Collection method: clinical testing. Allele origin: germline.
Comment: In summary, the available evidence is currently insufficient to determine the role of this variant in disease. Therefore, it has been classified as a Variant of Uncertain Significance. Algorithms developed to predict the effect of missense changes on protein structure and function (SIFT, PolyPhen-2, Align-GVGD) all suggest that this variant is likely to be tolerated. ClinVar contains an entry for this variant (Variation ID: 1496250). This variant has not been reported in the literature in individuals affected with RFT1-related conditions. This variant is not present in population databases (gnomAD no frequency). This sequence change replaces glycine, which is neutral and non-polar, with aspartic acid, which is acidic and polar, at codon 464 of the RFT1 protein (p.Gly464Asp).